The following is an entry in ClinVar:

NM_001457.4(FLNB):c.3950C>T (p.Pro1317Leu)

Gene: FLNB (filamin B; plus strand). Cytogenetic location: 3p14.3.
Variant type: single nucleotide variant.
Coding change: c.3950C>T on transcript NM_001457.4 (MANE Select); coding-DNA position 3950, C replaced by T.
Protein change: p.Pro1317Leu; replaces proline 1317 with leucine.
Molecular consequence: missense variant.
Genome position (GRCh38, 1-based): chr3:58,125,632, C>T. VCF-style: chr3-58125632-C-T. GRCh37 (hg19) VCF-style: chr3-58111359-C-T.
Other names: c.3950C>T, p.Pro1317Leu (NM_001164317.2, NM_001164318.2, NM_001164319.2); short protein forms P1317L.
Identifiers: ClinVar variation 2816830 (VCV002816830.3), dbSNP rs2471131486, ClinGen allele CA353349874.
Genomic context (GRCh38, chr3:58,125,632, plus strand): 5'-TTTGAGCAGGTCTCCATGTAGTGGAGGTGACATATGATGACGTGCCTATCCCAAACAGTC[C>T]CTTCAAGGTGGCTGTCACTGAAGGCTGCCAGCCATCTAGGGTGCAAGCCCAAGGACCTGG-3'
Protein context (NP_001448.2, residues 1307-1327): TYDDVPIPNS[Pro1317Leu]FKVAVTEGCQ

ClinVar aggregate classification (germline): Uncertain significance (1 of 4 stars; one submission).

Allele frequency attached by ClinVar (database versions not stated): gnomAD exomes below 0.00001.
gnomAD v4.1: 2 of 1,614,088 alleles (0.00012%); highest among the groups gnomAD compares: Non-Finnish European, 0.000085%; no homozygotes.

Submission:

Labcorp Genetics (formerly Invitae), Labcorp
Classification: Uncertain significance. Last evaluated: 2022-12-06. Review status: criteria provided, single submitter. Criteria: Invitae Variant Classification Sherloc (09022015). Collection method: clinical testing. Allele origin: germline.
Comment: This sequence change replaces proline, which is neutral and non-polar, with leucine, which is neutral and non-polar, at codon 1317 of the FLNB protein (p.Pro1317Leu). This variant is not present in population databases (gnomAD no frequency). This variant has not been reported in the literature in individuals affected with FLNB-related conditions. Algorithms developed to predict the effect of missense changes on protein structure and function (SIFT, PolyPhen-2, Align-GVGD) all suggest that this variant is likely to be disruptive. In summary, the available evidence is currently insufficient to determine the role of this variant in disease. Therefore, it has been classified as a Variant of Uncertain Significance.